The following is an entry in ClinVar:

ClinVar aggregate classification (germline): Uncertain significance (1 of 4 stars; one submission).

Conditions:
Hereditary cancer-predisposing syndrome. Also called: Tumor predisposition; Hereditary Cancer Syndrome; Hereditary neoplastic syndrome; Neoplastic Syndromes, Hereditary. Identifiers: Orphanet 140162, MedGen C0027672, MeSH D009386, MONDO:0015356.

gnomAD v4.1: 2 of 1,614,154 alleles (0.00012%); highest among the groups gnomAD compares: Non-Finnish European, 0.00017%; no homozygotes.

Submission:

Ambry Genetics
Classification: Uncertain significance for Hereditary cancer-predisposing syndrome. Last evaluated: 2024-05-24. Review status: criteria provided, single submitter. Criteria: Ambry Variant Classification Scheme 2023. Collection method: clinical testing. Allele origin: germline.
Comment: The p.D315G variant (also known as c.944A>G), located in coding exon 6 of the MEN1 gene, results from an A to G substitution at nucleotide position 944. The aspartic acid at codon 315 is replaced by glycine, an amino acid with similar properties. This amino acid position is conserved. In addition, the in silico prediction for this alteration is inconclusive. Based on the available evidence, the clinical significance of this variant remains unclear.

NM_001370259.2(MEN1):c.944A>G (p.Asp315Gly)

Gene: MEN1 (menin 1; minus strand). Cytogenetic location: 11q13.1.
Variant type: single nucleotide variant.
Coding change: c.944A>G on transcript NM_001370259.2 (MANE Select); coding-DNA position 944, A replaced by G.
Protein change: p.Asp315Gly; replaces aspartic acid 315 with glycine.
Molecular consequence: missense variant. On other transcripts: non-coding transcript variant (4).
Genome position (GRCh38, 1-based): chr11:64,806,337, T>C on the plus strand (A>G on the coding strand, the complement: MEN1 is on the minus strand). VCF-style: chr11-64806337-T-C. GRCh37 (hg19) VCF-style: chr11-64573809-T-C.
Other names: c.959A>G, p.Asp320Gly (NM_000244.4, NM_001407145.1, NM_001407150.1 and 5 more transcripts); c.944A>G, p.Asp315Gly (NM_001370251.2, NM_001370260.2, NM_001370261.2 and 7 more transcripts); c.839A>G, p.Asp280Gly (NM_001370262.2, NM_001370263.2, NM_001407148.1 and 2 more transcripts); short protein forms D315G, D280G, D320G.
Identifiers: ClinVar variation 3294196 (VCV003294196.1).